The following is an entry in ClinVar:

ClinVar aggregate classification (germline): Conflicting classifications of pathogenicity. Review status: criteria provided, conflicting classifications (1 of 4 stars). 7 submissions from 7 submitters: Uncertain significance (2); Likely benign (4). 1 of the submissions does not count toward it. Last evaluated 2026-08-01.

Conditions:
Familial hypokalemia-hypomagnesemia (GTLMNS). Also called: gitelman syndrome; POTASSIUM AND MAGNESIUM DEPLETION; HYPOMAGNESEMIA-HYPOKALEMIA, PRIMARY RENOTUBULAR, WITH HYPOCALCIURIA. Identifiers: Orphanet 358, MedGen C0268450, MONDO:0009904, OMIM 263800.

Allele frequency attached by ClinVar (database versions not stated): TOPMed 0.00004; gnomAD 0.00006 and 0.00018; gnomAD exomes 0.00009 and 0.00032; ExAC 0.00011; 1000 Genomes Project 30x 0.00094; 1000 Genomes Project 0.00120.

Submissions (7):

CeGaT Center for Human Genetics Tuebingen
Classification: Likely benign. Last evaluated: 2026-08-01. Review status: criteria provided, single submitter. Criteria: CeGaT Center For Human Genetics Tuebingen Variant Classification Criteria Version 2. Collection method: clinical testing. Allele origin: germline. Affected: yes. Observed: 1 variant allele.
Comment: SLC12A3: BP4, BP7

Labcorp Genetics (formerly Invitae), Labcorp
Classification: Likely benign. Last evaluated: 2025-08-31. Review status: criteria provided, single submitter. Criteria: Invitae Variant Classification Sherloc (09022015). Collection method: clinical testing. Allele origin: germline.

Blueprint Genetics
Classification: Likely benign. Last evaluated: 2024-08-06. Review status: criteria provided, single submitter. Criteria: ACMG Guidelines, 2015. Collection method: clinical testing. Allele origin: germline.

Genome-Nilou Lab
Classification: Likely benign for Familial hypokalemia-hypomagnesemia. Last evaluated: 2021-07-15. Review status: criteria provided, single submitter. Criteria: ACMG Guidelines, 2015. Collection method: clinical testing. Allele origin: germline. Affected: no.

Revvity Omics, Revvity
Classification: Uncertain significance for Familial hypokalemia-hypomagnesemia. Last evaluated: 2019-09-29. Review status: criteria provided, single submitter. Criteria: ACMG Guidelines, 2015. Collection method: clinical testing. Allele origin: germline.

Illumina Laboratory Services, Illumina
Classification: Uncertain significance for Familial hypokalemia-hypomagnesemia. Last evaluated: 2018-01-13. Review status: criteria provided, single submitter. Criteria: ICSL Variant Classification Criteria 13 December 2019. Collection method: clinical testing. Allele origin: germline.

Natera, Inc.
Classification: Likely benign for Gitelman syndrome. Last evaluated: 2020-01-04. Review status: no assertion criteria provided. Collection method: clinical testing. Allele origin: germline. Not counted in ClinVar's aggregate classification.

NM_001126108.2(SLC12A3):c.2793C>T (p.Asn931=)

Gene: SLC12A3 (solute carrier family 12 member 3; plus strand). Cytogenetic location: 16q13.
Variant type: single nucleotide variant.
Coding change: c.2793C>T on transcript NM_001126108.2 (MANE Select); coding-DNA position 2793, C replaced by T.
Protein change: p.Asn931=; no amino-acid change (asparagine 931 retained).
Molecular consequence: synonymous variant.
Genome position (GRCh38, 1-based): chr16:56,902,445, C>T. VCF-style: chr16-56902445-C-T. GRCh37 (hg19) VCF-style: chr16-56936357-C-T.
Other names: c.2820C>T, p.Asn940= (NM_000339.3); c.2817C>T, p.Asn939= (NM_001126107.2).
Identifiers: ClinVar variation 319918 (VCV000319918.23), dbSNP rs13306666, ClinGen allele CA8070059.